The following is an entry in ClinVar:

ClinVar aggregate classification (germline): Uncertain significance. Review status: criteria provided, multiple submitters, no conflicts (2 of 4 stars). 2 submissions from 2 submitters: Uncertain significance (2). Last evaluated 2025-09-14.

Conditions:
Cardiovascular phenotype. Identifiers: MedGen CN230736.
Catecholaminergic polymorphic ventricular tachycardia 1. Also called: RYR2-Related Catecholaminergic Polymorphic Ventricular Tachycardia; VENTRICULAR TACHYCARDIA, CATECHOLAMINERGIC POLYMORPHIC, 1, WITH OR WITHOUT ATRIAL DYSFUNCTION AND/OR DILATED CARDIOMYOPATHY; VENTRICULAR TACHYCARDIA, STRESS-INDUCED POLYMORPHIC 1. Identifiers: Orphanet 3286, MedGen C1631597, MONDO:0011484, OMIM 604772.

Submissions (2):

Labcorp Genetics (formerly Invitae), Labcorp
Classification: Uncertain significance for Catecholaminergic polymorphic ventricular tachycardia 1. Last evaluated: 2025-09-14. Review status: criteria provided, single submitter. Criteria: Invitae Variant Classification Sherloc (09022015). Collection method: clinical testing. Allele origin: germline.
Comment: This sequence change creates a premature translational stop signal (p.Pro244Hisfs*30) in the TRDN gene. It is expected to result in an absent or disrupted protein product. However, the current clinical and genetic evidence is not sufficient to establish whether loss-of-function variants in TRDN cause disease. This variant is not present in population databases (gnomAD no frequency). This variant has not been reported in the literature in individuals affected with TRDN-related conditions. ClinVar contains an entry for this variant (Variation ID: 519080). In summary, the available evidence is currently insufficient to determine the role of this variant in disease. Therefore, it has been classified as a Variant of Uncertain Significance.

Ambry Genetics
Classification: Uncertain significance for Cardiovascular phenotype. Last evaluated: 2020-03-27. Review status: criteria provided, single submitter. Criteria: Ambry Variant Classification Scheme 2023. Collection method: clinical testing. Allele origin: germline.
Comment: The c.731delC variant, located in coding exon 8 of the TRDN gene, results from a deletion of one nucleotide at nucleotide position 731, causing a translational frameshift with a predicted alternate stop codon (p.P244Hfs*30). Premature stop codons are typically deleterious in nature; however, this stop codon occurs at the 3' terminus of the cardiac isoform of TRDN, is not expected to trigger nonsense-mediated mRNA decay, and removes only the last 40 amino acids of the protein. The exact functional impact of these removed amino acids is unknown at this time. Since supporting evidence is limited at this time, the clinical significance of this alteration remains unclear.

NM_006073.4(TRDN):c.731del (p.Pro244fs)

Gene: TRDN (triadin; minus strand). Cytogenetic location: 6q22.31.
Variant type: Deletion.
Coding change: c.731del on transcript NM_006073.4 (MANE Select); coding-DNA position 731, one base deleted (C; older notation c.731delC).
Protein change: p.Pro244fs; shifts the reading frame from proline 244.
Molecular consequence: frameshift variant.
Genome position (GRCh38, 1-based): chr6:123,503,781, G deleted on the plus strand (C on the coding strand, the reverse complement: TRDN is on the minus strand); the first of 2 consecutive G bases (chr6:123,503,781-123,503,782); deleting either gives the same sequence. VCF-style (leftmost placement, unchanged base first): chr6-123503780-TG-T. GRCh37 (hg19) VCF-style: chr6-123824925-TG-T.
Other names: c.731del, p.Pro244fs (NM_001251987.2, NM_001256020.2, NM_001256021.2); short protein forms P244fs.
Identifiers: ClinVar variation 519080 (VCV000519080.6), dbSNP rs1440670208, ClinGen allele CA658796815.
Genomic context (GRCh38, chr6:123,503,780, plus strand): 5'-TTTCTGTTCATGCTTTGACACAGCTGCTTTCTCTTTGTCCTCCTTTTCTTTGGGTTTTGA[TG>T]GTGTTTTCTGTACTTCTTTTACTTTTGCAGCTGTTTGCTTCACTTTCTCCTGTTTTCCAC-3'